The following is an entry in ClinVar:

NM_007186.6(CEP250):c.6397C>G (p.Pro2133Ala)

Gene: CEP250 (centrosomal protein 250; plus strand). Cytogenetic location: 20q11.22.
Variant type: single nucleotide variant.
Coding change: c.6397C>G on transcript NM_007186.6 (MANE Select); coding-DNA position 6397, C replaced by G.
Protein change: p.Pro2133Ala; replaces proline 2133 with alanine.
Molecular consequence: missense variant.
Genome position (GRCh38, 1-based): chr20:35,504,766, C>G. VCF-style: chr20-35504766-C-G. GRCh37 (hg19) VCF-style: chr20-34092594-C-G.
Other names: c.4501C>G, p.Pro1501Ala (NM_001318219.1); short protein forms P2133A, P1501A.
Identifiers: ClinVar variation 2159285 (VCV002159285.1), dbSNP rs549973168, ClinGen allele CA9834058.

ClinVar aggregate classification (germline): Uncertain significance (1 of 4 stars; one submission).

Allele frequency attached by ClinVar (database versions not stated): ExAC 0.00001; gnomAD 0.00003; TOPMed 0.00003; 1000 Genomes Project 0.00020; 1000 Genomes Project 30x 0.00031.
gnomAD v4.1: 4 of 1,614,182 alleles (0.00025%); highest among the groups gnomAD compares: African/African-American, 0.0053%; no homozygotes.

Submission:

Labcorp Genetics (formerly Invitae), Labcorp
Classification: Uncertain significance. Last evaluated: 2022-07-01. Review status: criteria provided, single submitter. Criteria: Invitae Variant Classification Sherloc (09022015). Collection method: clinical testing. Allele origin: germline.
Comment: This sequence change replaces proline, which is neutral and non-polar, with alanine, which is neutral and non-polar, at codon 2133 of the CEP250 protein (p.Pro2133Ala). This variant is present in population databases (rs549973168, gnomAD 0.007%). This variant has not been reported in the literature in individuals affected with CEP250-related conditions. Algorithms developed to predict the effect of missense changes on protein structure and function are either unavailable or do not agree on the potential impact of this missense change (SIFT: "Not Available"; PolyPhen-2: "Benign"; Align-GVGD: "Not Available"). In summary, the available evidence is currently insufficient to determine the role of this variant in disease. Therefore, it has been classified as a Variant of Uncertain Significance.